The following is an entry in ClinVar:

NM_001371596.2(MFSD8):c.1258C>T (p.Leu420Phe)

Gene: MFSD8 (major facilitator superfamily domain containing 8; minus strand). Cytogenetic location: 4q28.2.
Variant type: single nucleotide variant.
Coding change: c.1258C>T on transcript NM_001371596.2 (MANE Select); coding-DNA position 1258, C replaced by T.
Protein change: p.Leu420Phe; replaces leucine 420 with phenylalanine.
Molecular consequence: missense variant.
Genome position (GRCh38, 1-based): chr4:127,921,616, G>A on the plus strand (C>T on the coding strand, the complement: MFSD8 is on the minus strand). VCF-style: chr4-127921616-G-A. GRCh37 (hg19) VCF-style: chr4-128842771-G-A.
Other names: c.1057C>T, p.Leu353Phe (NM_001363520.3); c.943C>T, p.Leu315Phe (NM_001363521.3); c.1123C>T, p.Leu375Phe (NM_001371590.2); c.1258C>T, p.Leu420Phe (NM_001371591.2, NM_152778.4); c.1264C>T, p.Leu422Phe (NM_001371592.2); c.1144C>T, p.Leu382Phe (NM_001371593.2); c.1111C>T, p.Leu371Phe (NM_001371594.2); c.976C>T, p.Leu326Phe (NM_001371595.1); and 2 more; short protein forms L315F, L422F, L371F, L420F, L353F, L326F, L375F, L382F.
Identifiers: ClinVar variation 1432417 (VCV001432417.6), dbSNP rs1398267947, ClinGen allele CA358171150.

ClinVar aggregate classification (germline): Uncertain significance (1 of 4 stars; one submission).

Conditions:
Neuronal ceroid lipofuscinosis 7 (CLN7). Also called: MFSD8-Related Neuronal Ceroid-Lipofuscinosis. Identifiers: Orphanet 168491, Orphanet 228366, MedGen C1838571, MONDO:0012588, OMIM 610951.

Allele frequency attached by ClinVar (database versions not stated): gnomAD exomes below 0.00001; TOPMed below 0.00001; gnomAD 0.00001.

Submission:

Labcorp Genetics (formerly Invitae), Labcorp
Classification: Uncertain significance for Neuronal ceroid lipofuscinosis 7. Last evaluated: 2021-08-31. Review status: criteria provided, single submitter. Criteria: Invitae Variant Classification Sherloc (09022015). Collection method: clinical testing. Allele origin: germline.
Comment: This sequence change replaces leucine with phenylalanine at codon 420 of the MFSD8 protein (p.Leu420Phe). The leucine residue is moderately conserved and there is a small physicochemical difference between leucine and phenylalanine. This variant is not present in population databases (ExAC no frequency). This variant has not been reported in the literature in individuals affected with MFSD8-related conditions. Algorithms developed to predict the effect of missense changes on protein structure and function output the following: SIFT: "Tolerated"; PolyPhen-2: "Benign"; Align-GVGD: "Class C0". The phenylalanine amino acid residue is found in multiple mammalian species, which suggests that this missense change does not adversely affect protein function. In summary, the available evidence is currently insufficient to determine the role of this variant in disease. Therefore, it has been classified as a Variant of Uncertain Significance.